The following is an entry in ClinVar:

ClinVar aggregate classification (germline): Uncertain significance (1 of 4 stars; one submission).

Allele frequency attached by ClinVar (database versions not stated): gnomAD exomes below 0.00001.
gnomAD v4.1: 1 of 1,612,388 alleles (0.000062%); highest among the groups gnomAD compares: Non-Finnish European, 0.000085%; no homozygotes.

Submission:

GeneDx
Classification: Uncertain significance. Last evaluated: 2022-11-14. Review status: criteria provided, single submitter. Criteria: GeneDx Variant Classification Process June 2021. Collection method: clinical testing. Allele origin: germline. Affected: yes.
Comment: Not observed at significant frequency in large population cohorts (gnomAD); In silico analysis supports that this missense variant does not alter protein structure/function; Has not been previously published as pathogenic or benign to our knowledge

NM_001366145.2(TRPM3):c.5123C>T (p.Thr1708Ile)

Genes: KLF9-DT (KLF9 divergent transcript; plus strand), TRPM3 (transient receptor potential cation channel subfamily M member 3; minus strand). Cytogenetic location: 9q21.12.
Variant type: single nucleotide variant.
Coding change: c.5123C>T on transcript NM_001366145.2 (MANE Select); coding-DNA position 5123, C replaced by T.
Protein change: p.Thr1708Ile; replaces threonine 1708 with isoleucine.
Molecular consequence: missense variant. On other transcripts: intron variant (8).
Genome position (GRCh38, 1-based): chr9:70,535,990, G>A on the plus strand (C>T on the coding strand, the complement: TRPM3 is on the minus strand). VCF-style: chr9-70535990-G-A. GRCh37 (hg19) VCF-style: chr9-73150906-G-A.
Other names: c.5087C>T, p.Thr1696Ile (NM_001007471.4); c.5093C>T, p.Thr1698Ile (NM_001366141.2, NM_001366149.2); c.5198C>T, p.Thr1733Ile (NM_001366147.2); c.4628C>T, p.Thr1543Ile (NM_020952.6); c.4664C>T, p.Thr1555Ile (NM_024971.7); c.4598C>T, p.Thr1533Ile (NM_206944.5); c.4634C>T, p.Thr1545Ile (NM_206945.5); c.4703C>T, p.Thr1568Ile (NM_206946.5); and 9 more; short protein forms T1533I, T1543I, T1545I, T1555I, T1558I, T1568I, T1696I, T1698I.
Identifiers: ClinVar variation 2501854 (VCV002501854.1), dbSNP rs895354230, ClinGen allele CA193426638.